The following is an entry in ClinVar:

NM_018706.7(DHTKD1):c.523-3C>T

Gene: DHTKD1 (dehydrogenase E1 and transketolase domain containing 1; plus strand). Cytogenetic location: 10p14.
Variant type: single nucleotide variant.
Coding change: c.523-3C>T on transcript NM_018706.7 (MANE Select); 3 bases into the intron before coding-DNA position 523, C replaced by T.
Molecular consequence: intron variant.
Genome position (GRCh38, 1-based): chr10:12,087,532, C>T. VCF-style: chr10-12087532-C-T. GRCh37 (hg19) VCF-style: chr10-12129531-C-T.
Identifiers: ClinVar variation 2711323 (VCV002711323.3), dbSNP rs1322072518, ClinGen allele CA591545096.

ClinVar aggregate classification (germline): Uncertain significance (1 of 4 stars; one submission).

Conditions:
2-aminoadipic 2-oxoadipic aciduria (AAKAD). Also called: Aminoadipic aciduria; ALPHA-AMINOADIPIC AND ALPHA-KETOADIPIC ACIDURIA. Identifiers: Orphanet 79154, MedGen C1859817, MONDO:0008774, OMIM 204750.

Allele frequency attached by ClinVar (database versions not stated): gnomAD exomes below 0.00001.
gnomAD v4.1: 1 of 1,588,488 alleles (0.000063%); highest among the groups gnomAD compares: Non-Finnish European, 0.000086%; no homozygotes.

Submission:

Labcorp Genetics (formerly Invitae), Labcorp
Classification: Uncertain significance for 2-aminoadipic 2-oxoadipic aciduria. Last evaluated: 2024-01-04. Review status: criteria provided, single submitter. Criteria: Invitae Variant Classification Sherloc (09022015). Collection method: clinical testing. Allele origin: germline.
Comment: This sequence change falls in intron 3 of the DHTKD1 gene. It does not directly change the encoded amino acid sequence of the DHTKD1 protein. It affects a nucleotide within the consensus splice site. This variant is present in population databases (no rsID available, gnomAD 0.001%). This variant has not been reported in the literature in individuals affected with DHTKD1-related conditions. Variants that disrupt the consensus splice site are a relatively common cause of aberrant splicing (PMID: 17576681, 9536098). Algorithms developed to predict the effect of sequence changes on RNA splicing suggest that this variant is not likely to affect RNA splicing. In summary, the available evidence is currently insufficient to determine the role of this variant in disease. Therefore, it has been classified as a Variant of Uncertain Significance.

Literature cited by the submitters: PubMed 17576681; PubMed 9536098.